The following is an entry in ClinVar:

NM_012473.4(TXN2):c.334G>C (p.Val112Leu)

Gene: TXN2 (thioredoxin 2; minus strand). Cytogenetic location: 22q12.3.
Variant type: single nucleotide variant.
Coding change: c.334G>C on transcript NM_012473.4 (MANE Select); coding-DNA position 334, G replaced by C.
Protein change: p.Val112Leu; replaces valine 112 with leucine.
Molecular consequence: missense variant.
Genome position (GRCh38, 1-based): chr22:36,476,786, C>G on the plus strand (G>C on the coding strand, the complement: TXN2 is on the minus strand). VCF-style: chr22-36476786-C-G. GRCh37 (hg19) VCF-style: chr22-36872833-C-G.
Other names: short protein forms V112L.
Identifiers: ClinVar variation 1488709 (VCV001488709.6), dbSNP rs1217534650, ClinGen allele CA411370492.

ClinVar aggregate classification (germline): Uncertain significance (1 of 4 stars; one submission).

gnomAD v4.1: 1 of 1,614,168 alleles (0.000062%); highest among the groups gnomAD compares: Non-Finnish European, 0.000085%; no homozygotes.

Submission:

Labcorp Genetics (formerly Invitae), Labcorp
Classification: Uncertain significance. Last evaluated: 2021-11-13. Review status: criteria provided, single submitter. Criteria: Invitae Variant Classification Sherloc (09022015). Collection method: clinical testing. Allele origin: germline.
Comment: In summary, the available evidence is currently insufficient to determine the role of this variant in disease. Therefore, it has been classified as a Variant of Uncertain Significance. Algorithms developed to predict the effect of missense changes on protein structure and function output the following: SIFT: "Tolerated"; PolyPhen-2: "Benign"; Align-GVGD: "Class C0". The leucine amino acid residue is found in multiple mammalian species, which suggests that this missense change does not adversely affect protein function. This variant has not been reported in the literature in individuals affected with TXN2-related conditions. This variant is not present in population databases (gnomAD no frequency). This sequence change replaces valine, which is neutral and non-polar, with leucine, which is neutral and non-polar, at codon 112 of the TXN2 protein (p.Val112Leu).